The following is an entry in ClinVar:

NM_020754.4(ARHGAP31):c.1432C>T (p.Arg478Cys)

Gene: ARHGAP31 (Rho GTPase activating protein 31; plus strand). Cytogenetic location: 3q13.33.
Variant type: single nucleotide variant.
Coding change: c.1432C>T on transcript NM_020754.4 (MANE Select); coding-DNA position 1432, C replaced by T.
Protein change: p.Arg478Cys; replaces arginine 478 with cysteine.
Molecular consequence: missense variant.
Genome position (GRCh38, 1-based): chr3:119,402,184, C>T. VCF-style: chr3-119402184-C-T. GRCh37 (hg19) VCF-style: chr3-119121031-C-T.
Other names: short protein forms R478C.
Identifiers: ClinVar variation 1914472 (VCV001914472.5), dbSNP rs769289362, ClinGen allele CA2553817.

ClinVar aggregate classification (germline): Uncertain significance (1 of 4 stars; one submission).

Allele frequency attached by ClinVar (database versions not stated): gnomAD exomes 0.00001; ExAC 0.00002; gnomAD 0.00003; TOPMed 0.00004.
gnomAD v4.1: 23 of 1,614,172 alleles (0.0014%); highest among the groups gnomAD compares: Admixed American, 0.01%; no homozygotes.

Submission:

Labcorp Genetics (formerly Invitae), Labcorp
Classification: Uncertain significance. Last evaluated: 2025-12-22. Review status: criteria provided, single submitter. Criteria: Invitae Variant Classification Sherloc (09022015). Collection method: clinical testing. Allele origin: germline.
Comment: This sequence change replaces arginine, which is basic and polar, with cysteine, which is neutral and slightly polar, at codon 478 of the ARHGAP31 protein (p.Arg478Cys). This variant is present in population databases (rs769289362, gnomAD 0.009%). This variant has not been reported in the literature in individuals affected with ARHGAP31-related conditions. ClinVar contains an entry for this variant (Variation ID: 1914472). An algorithm developed to predict the effect of missense changes on protein structure and function (PolyPhen-2) suggests that this variant is likely to be disruptive. In summary, the available evidence is currently insufficient to determine the role of this variant in disease. Therefore, it has been classified as a Variant of Uncertain Significance.